The following is an entry in ClinVar:

ClinVar aggregate classification (germline): Uncertain significance (1 of 4 stars; one submission).

Conditions:
Fanconi anemia (FA). Also called: Fanconi's anemia. Identifiers: Orphanet 84, MedGen C0015625, MeSH D005199, MONDO:0019391.

Submission:

Labcorp Genetics (formerly Invitae), Labcorp
Classification: Uncertain significance for Fanconi anemia. Last evaluated: 2022-08-09. Review status: criteria provided, single submitter. Criteria: Invitae Variant Classification Sherloc (09022015). Collection method: clinical testing. Allele origin: germline.
Comment: This variant is not present in population databases (gnomAD no frequency). This variant has not been reported in the literature in individuals affected with SLX4-related conditions. ClinVar contains an entry for this variant (Variation ID: 1420115). Algorithms developed to predict the effect of missense changes on protein structure and function are either unavailable or do not agree on the potential impact of this missense change (SIFT: "Deleterious"; PolyPhen-2: "Probably Damaging"; Align-GVGD: "Class C0"). In summary, the available evidence is currently insufficient to determine the role of this variant in disease. Therefore, it has been classified as a Variant of Uncertain Significance. This sequence change replaces leucine, which is neutral and non-polar, with serine, which is neutral and polar, at codon 319 of the SLX4 protein (p.Leu319Ser).

NM_032444.4(SLX4):c.956T>C (p.Leu319Ser)

Gene: SLX4 (SLX4 structure-specific endonuclease subunit; minus strand). Cytogenetic location: 16p13.3.
Variant type: single nucleotide variant.
Coding change: c.956T>C on transcript NM_032444.4 (MANE Select); coding-DNA position 956, T replaced by C.
Protein change: p.Leu319Ser; replaces leucine 319 with serine.
Molecular consequence: missense variant.
Genome position (GRCh38, 1-based): chr16:3,601,186, A>G on the plus strand (T>C on the coding strand, the complement: SLX4 is on the minus strand). VCF-style: chr16-3601186-A-G. GRCh37 (hg19) VCF-style: chr16-3651187-A-G.
Other names: short protein forms L319S.
Identifiers: ClinVar variation 1420115 (VCV001420115.8), dbSNP rs2151134190, ClinGen allele CA394532116.